The following is an entry in ClinVar:

ClinVar aggregate classification (germline): Uncertain significance (1 of 4 stars; one submission).

Submission:

GeneDx
Classification: Uncertain significance. Last evaluated: 2017-09-08. Review status: criteria provided, single submitter. Criteria: GeneDx Variant Classification (06012015). Collection method: clinical testing. Allele origin: germline. Affected: yes.
Comment: The Q303H (c.909 G>C) variant has not been published as pathogenic or been reported as benign to our knowledge. The Q303H variant is not observed in large population cohorts (Lek et al., 2016; 1000 Genomes Consortium et al., 2015; Exome Variant Server). This variant may be functionally significant at the protein level or the mRNA level. At the protein level, Q303H is a semi-conservative amino acid substitution, which may impact secondary protein structure as these residues differ in some properties. Additionally, this substitution occurs at a position that is conserved across species, although histidine (H) is tolerated at this position in at least one species. Furthermore, in silico analysis predicts this variant is probably damaging to the protein structure/function. At the mRNA level, the c.909 G>C variant occurs within the last nucleotide of exon 3 at a position where the guanine (G) nucleotide is conserved in mammals, and in silico splice prediction programs predict that c.909 G>C destroys the natural splice donor site of intron 3 which may lead to abnormal splicing. However, in the absence of functional mRNA studies, the physiological consequence of this variant cannot be precisely determined.

NM_004281.4(BAG3):c.909G>C (p.Gln303His)

Gene: BAG3 (BAG cochaperone 3; plus strand). Cytogenetic location: 10q26.11.
Variant type: single nucleotide variant.
Coding change: c.909G>C on transcript NM_004281.4 (MANE Select); coding-DNA position 909, G replaced by C.
Protein change: p.Gln303His; replaces glutamine 303 with histidine.
Molecular consequence: missense variant.
Genome position (GRCh38, 1-based): chr10:119,672,656, G>C. VCF-style: chr10-119672656-G-C. GRCh37 (hg19) VCF-style: chr10-121432168-G-C.
Other names: short protein forms Q303H.
Identifiers: ClinVar variation 451961 (VCV000451961.2), dbSNP rs1554877302, ClinGen allele CA378296178.